The following is an entry in ClinVar:

ClinVar aggregate classification (germline): Uncertain significance. Review status: criteria provided, multiple submitters, no conflicts (2 of 4 stars). 2 submissions from 2 submitters: Uncertain significance (2). Last evaluated 2025-12-28.

Allele frequency attached by ClinVar (database versions not stated): gnomAD exomes 0.00002 and 0.00006; ExAC 0.00009; gnomAD 0.00018; TOPMed 0.00019; ESP Exome Variant Server 0.00023; 1000 Genomes Project 30x 0.00031; 1000 Genomes Project 0.00040.
gnomAD v4.1: 65 of 1,614,162 alleles (0.004%); highest among the groups gnomAD compares: African/African-American, 0.049%; no homozygotes.

Submissions (2):

Labcorp Genetics (formerly Invitae), Labcorp
Classification: Uncertain significance. Last evaluated: 2025-12-28. Review status: criteria provided, single submitter. Criteria: Invitae Variant Classification Sherloc (09022015). Collection method: clinical testing. Allele origin: germline.
Comment: This sequence change replaces alanine, which is neutral and non-polar, with valine, which is neutral and non-polar, at codon 248 of the ASRGL1 protein (p.Ala248Val). This variant is present in population databases (rs145306822, gnomAD 0.06%), and has an allele count higher than expected for a pathogenic variant. This variant has not been reported in the literature in individuals affected with ASRGL1-related conditions. ClinVar contains an entry for this variant (Variation ID: 1008685). An algorithm developed to predict the effect of missense changes on protein structure and function (PolyPhen-2) suggests that this variant is likely to be disruptive. In summary, the available evidence is currently insufficient to determine the role of this variant in disease. Therefore, it has been classified as a Variant of Uncertain Significance.

Ambry Genetics
Classification: Uncertain significance. Last evaluated: 2024-02-28. Review status: criteria provided, single submitter. Criteria: Ambry Variant Classification Scheme 2023. Collection method: clinical testing. Allele origin: germline.

NM_001083926.2(ASRGL1):c.743C>T (p.Ala248Val)

Gene: ASRGL1 (asparaginase and isoaspartyl peptidase 1; plus strand). Cytogenetic location: 11q12.3.
Variant type: single nucleotide variant.
Coding change: c.743C>T on transcript NM_001083926.2 (MANE Select); coding-DNA position 743, C replaced by T.
Protein change: p.Ala248Val; replaces alanine 248 with valine.
Molecular consequence: missense variant.
Genome position (GRCh38, 1-based): chr11:62,392,100, C>T. VCF-style: chr11-62392100-C-T. GRCh37 (hg19) VCF-style: chr11-62159572-C-T.
Other names: c.743C>T, p.Ala248Val (NM_025080.4); c.743C>T (NM_001083926.1); short protein forms A248V.
Identifiers: ClinVar variation 1008685 (VCV001008685.8), dbSNP rs145306822, ClinGen allele CA6043322.
Genomic context (GRCh38, chr11:62,392,100, plus strand): 5'-AGTAATGTGTGTTGTTTCTCAACCCTTCCTTGTTTTCAGGAAAGACGGTAGAAGAGGCTG[C>T]GGACCTATCGTTGGGTTATATGAAGTCAAGGGTTAAAGGTTTAGGTGGCCTCATCGTGGT-3'
Protein context (NP_001077395.1, residues 238-258): IEQGKTVEEA[Ala248Val]DLSLGYMKSR